The following is an entry in ClinVar:

NM_004859.4(CLTC):c.3478G>T (p.Ala1160Ser)

Gene: CLTC (clathrin heavy chain; plus strand). Cytogenetic location: 17q23.1.
Variant type: single nucleotide variant.
Coding change: c.3478G>T on transcript NM_004859.4 (MANE Select); coding-DNA position 3478, G replaced by T.
Protein change: p.Ala1160Ser; replaces alanine 1160 with serine.
Molecular consequence: missense variant.
Genome position (GRCh38, 1-based): chr17:59,682,306, G>T. VCF-style: chr17-59682306-G-T. GRCh37 (hg19) VCF-style: chr17-57759667-G-T.
Other names: c.3490G>T, p.Ala1164Ser (NM_001288653.2); short protein forms A1164S, A1160S.
Identifiers: ClinVar variation 4997291 (VCV004997291.1).

ClinVar aggregate classification (germline): Uncertain significance (1 of 4 stars; one submission).

Conditions:
CLTC-related disorder. Also called: CLTC-related condition.

Submission:

PreventionGenetics, part of Exact Sciences
Classification: Uncertain significance for CLTC-related condition. Last evaluated: 2024-11-23. Review status: criteria provided, single submitter. Criteria: ACMG Guidelines, 2015. Collection method: clinical testing. Allele origin: germline.
Comment: The CLTC c.3490G>T variant is predicted to result in the amino acid substitution p.Ala1164Ser. To our knowledge, this variant has not been reported in the literature or in a large population database (gnomAD), indicating this variant is rare. At this time, the clinical significance of this variant is uncertain due to the absence of conclusive functional and genetic evidence.